The following is an entry in ClinVar:

ClinVar aggregate classification (germline): Uncertain significance (1 of 4 stars; one submission).

Conditions:
Joubert syndrome 21 (JBTS21). Identifiers: MedGen C3810212, MONDO:0014288, OMIM 615636.

Submission:

Labcorp Genetics (formerly Invitae), Labcorp
Classification: Uncertain significance for Joubert syndrome 21. Last evaluated: 2024-03-04. Review status: criteria provided, single submitter. Criteria: Invitae Variant Classification Sherloc (09022015). Collection method: clinical testing. Allele origin: germline.
Comment: This sequence change replaces arginine, which is basic and polar, with serine, which is neutral and polar, at codon 412 of the CSPP1 protein (p.Arg412Ser). This variant is not present in population databases (gnomAD no frequency). This variant has not been reported in the literature in individuals affected with CSPP1-related conditions. ClinVar contains an entry for this variant (Variation ID: 2186538). Algorithms developed to predict the effect of missense changes on protein structure and function output the following: SIFT: "Not Available"; PolyPhen-2: "Benign"; Align-GVGD: "Not Available". The serine amino acid residue is found in multiple mammalian species, which suggests that this missense change does not adversely affect protein function. In summary, the available evidence is currently insufficient to determine the role of this variant in disease. Therefore, it has been classified as a Variant of Uncertain Significance.

NM_001382391.1(CSPP1):c.1209G>C (p.Arg403Ser)

Gene: CSPP1 (centrosome and spindle pole associated protein 1; plus strand). Cytogenetic location: 8q13.2.
Variant type: single nucleotide variant.
Coding change: c.1209G>C on transcript NM_001382391.1 (MANE Select); coding-DNA position 1209, G replaced by C.
Protein change: p.Arg403Ser; replaces arginine 403 with serine.
Molecular consequence: missense variant.
Genome position (GRCh38, 1-based): chr8:67,113,826, G>C. VCF-style: chr8-67113826-G-C. GRCh37 (hg19) VCF-style: chr8-68026061-G-C.
Other names: c.354G>C, p.Arg118Ser (NM_001291339.2); c.1128G>C, p.Arg376Ser (NM_001363131.2, NM_001363133.2); c.1209G>C, p.Arg403Ser (NM_001363132.2); c.1317G>C, p.Arg439Ser (NM_001364869.1); c.1137G>C, p.Arg379Ser (NM_001364870.1); c.1236G>C, p.Arg412Ser (NM_024790.7); short protein forms R376S, R439S, R118S, R379S, R403S, R412S.
Identifiers: ClinVar variation 2186538 (VCV002186538.4), dbSNP rs370123119, ClinGen allele CA371197623.